The following is an entry in ClinVar:

ClinVar aggregate classification (germline): Uncertain significance (1 of 4 stars; one submission).

gnomAD v4.1: 3 of 1,613,980 alleles (0.00019%); highest among the groups gnomAD compares: Admixed American, 0.0033%; no homozygotes.

Submission:

GeneDx
Classification: Uncertain significance. Last evaluated: 2025-01-30. Review status: criteria provided, single submitter. Criteria: GeneDx Variant Classification Process June 2021. Collection method: clinical testing. Allele origin: germline. Affected: yes.
Comment: Not observed at significant frequency in large population cohorts (gnomAD); In silico analysis indicates that this missense variant does not alter protein structure/function; Has not been previously published as pathogenic or benign to our knowledge

NM_005802.5(TOPORS):c.2192C>T (p.Ser731Phe)

Gene: TOPORS (TOP1 binding arginine/serine rich protein, E3 ubiquitin ligase; minus strand). Cytogenetic location: 9p21.1.
Variant type: single nucleotide variant.
Coding change: c.2192C>T on transcript NM_005802.5 (MANE Select); coding-DNA position 2192, C replaced by T.
Protein change: p.Ser731Phe; replaces serine 731 with phenylalanine.
Molecular consequence: missense variant.
Genome position (GRCh38, 1-based): chr9:32,542,333, G>A on the plus strand (C>T on the coding strand, the complement: TOPORS is on the minus strand). VCF-style: chr9-32542333-G-A. GRCh37 (hg19) VCF-style: chr9-32542331-G-A.
Other names: c.1997C>T, p.Ser666Phe (NM_001195622.2); short protein forms S666F, S731F.
Identifiers: ClinVar variation 4072580 (VCV004072580.1).